The following is an entry in ClinVar:

ClinVar aggregate classification (germline): Conflicting classifications of pathogenicity. Review status: criteria provided, conflicting classifications (1 of 4 stars). 3 submissions from 3 submitters: Pathogenic (1); Uncertain significance (2). Last evaluated 2025-12-08.

Conditions:
PDE6A-related disorder. Also called: PDE6A-related condition.

Allele frequency attached by ClinVar (database versions not stated): ExAC 0.00002; gnomAD exomes 0.00002 and 0.00004; TOPMed 0.00003; gnomAD 0.00004 and 0.00005; ESP Exome Variant Server 0.00023.
gnomAD v4.1: 63 of 1,614,046 alleles (0.0039%); highest among the groups gnomAD compares: Non-Finnish European, 0.0048%; no homozygotes.

Submissions (3):

Labcorp Genetics (formerly Invitae), Labcorp
Classification: Pathogenic. Last evaluated: 2025-12-08. Review status: criteria provided, single submitter. Criteria: Invitae Variant Classification Sherloc (09022015). Collection method: clinical testing. Allele origin: germline.
Comment: This sequence change falls in intron 11 of the PDE6A gene. It does not directly change the encoded amino acid sequence of the PDE6A protein. It affects a nucleotide within the consensus splice site. This variant is present in population databases (rs376233776, gnomAD 0.005%). This variant has been observed in individual(s) with clinical features of autosomal recessive retinitis pigmentosa (internal data). In at least one individual the data is consistent with being in trans (on the opposite chromosome) from a pathogenic variant. ClinVar contains an entry for this variant (Variation ID: 1053825). Variants that disrupt the consensus splice site are a relatively common cause of aberrant splicing (PMID: 17576681, 9536098). Algorithms developed to predict the effect of sequence changes on RNA splicing suggest that this variant may disrupt the consensus splice site. For these reasons, this variant has been classified as Pathogenic.

PreventionGenetics, part of Exact Sciences
Classification: Uncertain significance for PDE6A-related condition. Last evaluated: 2025-05-21. Review status: criteria provided, single submitter. Criteria: ACMG Guidelines, 2015. Collection method: clinical testing. Allele origin: germline.
Comment: The PDE6A c.1473+5G>A variant is predicted to interfere with splicing. This variant is predicted to decrease the strength of the nearby canonical splice donor site (SpliceAI, Jaganathan et al. 2019. PubMed ID: 30661751). To our knowledge, this variant has not been reported in the literature. This variant is present in 0.0039% of alleles in individuals of European (Non-Finnish) descent in gnomAD. At this time, the clinical significance of this variant is uncertain due to the absence of conclusive functional and genetic evidence.

Blueprint Genetics
Classification: Uncertain significance. Last evaluated: 2023-11-27. Review status: criteria provided, single submitter. Criteria: ACMG Guidelines, 2015. Collection method: clinical testing. Allele origin: germline.

Literature cited by the submitters: PubMed 17576681 (cited by Labcorp Genetics (formerly Invitae), Labcorp); PubMed 9536098 (cited by Labcorp Genetics (formerly Invitae), Labcorp).

NM_000440.3(PDE6A):c.1473+5G>A

Gene: PDE6A (phosphodiesterase 6A; minus strand). Cytogenetic location: 5q32.
Variant type: single nucleotide variant.
Coding change: c.1473+5G>A on transcript NM_000440.3 (MANE Select); 5 bases into the intron after coding-DNA position 1473, G replaced by A.
Molecular consequence: intron variant.
Genome position (GRCh38, 1-based): chr5:149,896,706, C>T on the plus strand (G>A on the coding strand, the complement: PDE6A is on the minus strand). VCF-style: chr5-149896706-C-T. GRCh37 (hg19) VCF-style: chr5-149276269-C-T.
Other names: c.1473+5G>A (NM_000440.2).
Identifiers: ClinVar variation 1053825 (VCV001053825.10), dbSNP rs376233776, ClinGen allele CA3504678.